The following is an entry in ClinVar:

ClinVar aggregate classification (germline): Uncertain significance (1 of 4 stars; one submission).

Conditions:
Hereditary factor VIII deficiency disease (HEMA). Also called: HEMOPHILIA, CLASSIC; AUTOSOMAL HEMOPHILIA A; Hemophilia A; Hemophilia A, congenital; HEM A; Factor 8 deficiency, congenital. Identifiers: Orphanet 98878, MedGen C0019069, MONDO:0010602, OMIM 306700.

Submission:

ARUP Laboratories, Molecular Genetics and Genomics, ARUP Laboratories
Classification: Uncertain significance for Hereditary factor VIII deficiency disease. Last evaluated: 2022-01-19. Review status: criteria provided, single submitter. Criteria: ARUP Molecular Germline Variant Investigation Process 2021. Collection method: clinical testing. Allele origin: germline.
Comment: The F8 c.5576A>T; p.Asp1859Val variant, to our knowledge, is not reported in the medical literature or gene specific databases. This variant is also absent from general population databases (Exome Variant Server, Genome Aggregation Database), indicating it is not a common polymorphism. The aspartic acid at codon 1859 is highly conserved, and computational analyses predict that this variant is deleterious (REVEL: 0.873). Additionally, another variant in this codon, c.5576A>G; p.Asp1859Gly, is reported in an individual with hemophilia (Lin 2008). However, due to limited information, the clinical significance of the p.Asp1859Val variant is uncertain at this time. References: Lin SY et al. Mutation spectrum of 122 hemophilia A families from Taiwanese population by LD-PCR, DHPLC, multiplex PCR and evaluating the clinical application of HRM. BMC Med Genet. 2008 Jun 20;9:53. PMID: 18565236.

NM_000132.4(F8):c.5576A>T (p.Asp1859Val)

Gene: F8 (coagulation factor VIII; minus strand). Cytogenetic location: Xq28.
Variant type: single nucleotide variant.
Coding change: c.5576A>T on transcript NM_000132.4 (MANE Select); coding-DNA position 5576, A replaced by T.
Protein change: p.Asp1859Val; replaces aspartic acid 1859 with valine.
Molecular consequence: missense variant.
Genome position (GRCh38, 1-based): chrX:154,904,821, T>A on the plus strand (A>T on the coding strand, the complement: F8 is on the minus strand). VCF-style: chrX-154904821-T-A. GRCh37 (hg19) VCF-style: chrX-154133096-T-A.
Other names: short protein forms D1859V.
Identifiers: ClinVar variation 1679467 (VCV001679467.7), dbSNP rs2123997719, ClinGen allele CA414908399.